The following is an entry in ClinVar:

ClinVar aggregate classification (germline): Uncertain significance (1 of 4 stars; one submission).

Conditions:
Hereditary cancer-predisposing syndrome. Also called: Neoplastic Syndromes, Hereditary; Tumor predisposition; Hereditary Cancer Syndrome; Hereditary neoplastic syndrome. Identifiers: Orphanet 140162, MedGen C0027672, MeSH D009386, MONDO:0015356.

gnomAD v4.1: 1 of 1,614,018 alleles (0.000062%); no homozygotes.

Submission:

Ambry Genetics
Classification: Uncertain significance for Hereditary cancer-predisposing syndrome. Last evaluated: 2026-05-18. Review status: criteria provided, single submitter. Criteria: Ambry Variant Classification Scheme 2023. Collection method: clinical testing. Allele origin: germline.
Comment: The p.H450R variant (also known as c.1349A>G), located in coding exon 9 of the FLCN gene, results from an A to G substitution at nucleotide position 1349. The histidine at codon 450 is replaced by arginine, an amino acid with highly similar properties. This amino acid position is not well conserved in available vertebrate species. In addition, this alteration is predicted to be tolerated by in silico analysis. Based on the available evidence, the clinical significance of this variant remains unclear.

NM_144997.7(FLCN):c.1349A>G (p.His450Arg)

Gene: FLCN (folliculin; minus strand). Cytogenetic location: 17p11.2.
Variant type: single nucleotide variant.
Coding change: c.1349A>G on transcript NM_144997.7 (MANE Select); coding-DNA position 1349, A replaced by G.
Protein change: p.His450Arg; replaces histidine 450 with arginine.
Molecular consequence: missense variant.
Genome position (GRCh38, 1-based): chr17:17,215,268, T>C on the plus strand (A>G on the coding strand, the complement: FLCN is on the minus strand). VCF-style: chr17-17215268-T-C. GRCh37 (hg19) VCF-style: chr17-17118582-T-C.
Other names: c.1403A>G, p.His468Arg (NM_001353229.2); c.1349A>G, p.His450Arg (NM_001353230.2, NM_001353231.2); short protein forms H450R, H468R.
Identifiers: ClinVar variation 4643307 (VCV004643307.2).